The following is an entry in ClinVar:

NM_003978.5(PSTPIP1):c.82C>T (p.Arg28Trp)

Gene: PSTPIP1 (proline-serine-threonine phosphatase interacting protein 1; plus strand). Cytogenetic location: 15q24.3.
Variant type: single nucleotide variant.
Coding change: c.82C>T on transcript NM_003978.5 (MANE Select); coding-DNA position 82, C replaced by T.
Protein change: p.Arg28Trp; replaces arginine 28 with tryptophan.
Molecular consequence: missense variant. On other transcripts: non-coding transcript variant (1).
Genome position (GRCh38, 1-based): chr15:77,018,193, C>T. VCF-style: chr15-77018193-C-T. GRCh37 (hg19) VCF-style: chr15-77310534-C-T.
Other names: c.82C>T, p.Arg28Trp (NM_001321135.2); c.55C>T, p.Arg19Trp (NM_001321136.2); c.277C>T, p.Arg93Trp (NM_001321137.1); short protein forms R28W, R93W, R19W.
Identifiers: ClinVar variation 242300 (VCV000242300.11), dbSNP rs767330325, ClinGen allele CA7675693.

ClinVar aggregate classification (germline): Uncertain significance. Review status: criteria provided, multiple submitters, no conflicts (2 of 4 stars). 2 submissions from 2 submitters: Uncertain significance (2). Last evaluated 2023-10-17.

Conditions:
Pyogenic arthritis-pyoderma gangrenosum-acne syndrome (PAPA). Also called: FAMILIAL RECURRENT ARTHRITIS; PAPA SYNDROME. Identifiers: Orphanet 69126, MedGen C1858361, MONDO:0011462, OMIM 604416.

Allele frequency attached by ClinVar (database versions not stated): ExAC 0.00003; gnomAD 0.00003.
gnomAD v4.1: 21 of 1,590,252 alleles (0.0013%); highest among the groups gnomAD compares: East Asian, 0.0068%; no homozygotes.

Submissions (2):

Labcorp Genetics (formerly Invitae), Labcorp
Classification: Uncertain significance for Pyogenic arthritis-pyoderma gangrenosum-acne syndrome. Last evaluated: 2023-10-17. Review status: criteria provided, single submitter. Criteria: Invitae Variant Classification Sherloc (09022015). Collection method: clinical testing. Allele origin: germline.
Comment: This sequence change replaces arginine, which is basic and polar, with tryptophan, which is neutral and slightly polar, at codon 28 of the PSTPIP1 protein (p.Arg28Trp). The frequency data for this variant in the population databases is considered unreliable, as metrics indicate poor data quality at this position in the gnomAD database. This variant has not been reported in the literature in individuals affected with PSTPIP1-related conditions. ClinVar contains an entry for this variant (Variation ID: 242300). Advanced modeling of protein sequence and biophysical properties (such as structural, functional, and spatial information, amino acid conservation, physicochemical variation, residue mobility, and thermodynamic stability) performed at Invitae indicates that this missense variant is expected to disrupt PSTPIP1 protein function. In summary, the available evidence is currently insufficient to determine the role of this variant in disease. Therefore, it has been classified as a Variant of Uncertain Significance.

GeneDx
Classification: Uncertain significance. Last evaluated: 2014-08-11. Review status: criteria provided, single submitter. Criteria: GeneDx Variant Classification (06012015). Collection method: clinical testing. Allele origin: germline. Affected: yes.
Comment: To our knowledge, the R28W variant has neither been published as a mutation, nor reported as a benign polymorphism. It was not observed in approximately 6,400 individuals of European and African American ancestry in the NHLBI Exome Sequencing Project, indicating it is not a common benign variant in these populations. The R28W variant is a non-conservative amino acid substitution, which is likely to impact secondary protein structure as these residues differ in polarity, charge, size and/or other properties. This substitution occurs at a position that is conserved across species and in silico analysis predicts this variant is probably damaging to the protein structure/function. However, this substitution does not occur in the coiled-coil domain region, the region where definitive PSTPIP1 mutations have been identified to date. Therefore, based on the currently available information, it is unclear whether this variant is a pathogenic mutation or a rare benign variant.